The following is an entry in ClinVar:

ClinVar aggregate classification (germline): Uncertain significance (1 of 4 stars; one submission).

Conditions:
Autosomal dominant nonsyndromic hearing loss 11. Identifiers: Orphanet 90635, MedGen C1832475, MONDO:0011032, OMIM 601317.

Submission:

Human Genetics Bochum, Ruhr University Bochum
Classification: Uncertain significance for Autosomal dominant nonsyndromic hearing loss 11. Last evaluated: 2025-03-07. Review status: criteria provided, single submitter. Criteria: ACMG Guidelines, 2015. Collection method: clinical testing. Allele origin: germline. Affected: yes.
Comment: ACMG criteria used to clasify this variant: PM1, PM2_SUP, PP3

NM_000260.4(MYO7A):c.5543A>T (p.Asn1848Ile)

Gene: MYO7A (myosin VIIA; plus strand). Cytogenetic location: 11q13.5.
Variant type: single nucleotide variant.
Coding change: c.5543A>T on transcript NM_000260.4 (MANE Select); coding-DNA position 5543, A replaced by T.
Protein change: p.Asn1848Ile; replaces asparagine 1848 with isoleucine.
Molecular consequence: missense variant.
Genome position (GRCh38, 1-based): chr11:77,205,524, A>T. VCF-style: chr11-77205524-A-T. GRCh37 (hg19) VCF-style: chr11-76916569-A-T.
Other names: c.5429A>T, p.Asn1810Ile (NM_001127180.2); c.5396A>T, p.Asn1799Ile (NM_001369365.1); short protein forms N1799I, N1810I, N1848I.
Identifiers: ClinVar variation 4687904 (VCV004687904.1), dbSNP rs764485686.
Genomic context (GRCh38, chr11:77,205,524, plus strand): 5'-ACAGCGAGGAGCGGGGTTGGGAGCTGCTCTGGCTGTGCACGGGCCTTTTCCCACCCAGCA[A>T]CATCCTCCTGCCCCACGTGCAGCGCTTCCTGCAGTCCCGAAAGCACTGCCCACTCGCCAT-3'
Protein context (NP_000251.3, residues 1838-1858): WLCTGLFPPS[Asn1848Ile]ILLPHVQRFL